The following is an entry in ClinVar:

NM_001367534.1(CAMK2G):c.1428del (p.Phe476fs)

Gene: CAMK2G (calcium/calmodulin dependent protein kinase II gamma; minus strand). Cytogenetic location: 10q22.2.
Variant type: Deletion.
Coding change: c.1428del on transcript NM_001367534.1 (MANE Select); coding-DNA position 1428, one base deleted (T; older notation c.1428delT).
Protein change: p.Phe476fs; shifts the reading frame from phenylalanine 476.
Molecular consequence: frameshift variant. On other transcripts: 3 prime UTR variant (2), non-coding transcript variant (8).
Genome position (GRCh38, 1-based): chr10:73,817,490, A deleted on the plus strand (T on the coding strand, the reverse complement: CAMK2G is on the minus strand); the first of 3 consecutive A bases (chr10:73,817,490-73,817,492); deleting any one gives the same sequence. VCF-style (leftmost placement, unchanged base first): chr10-73817489-CA-C. GRCh37 (hg19) VCF-style: chr10-75577247-CA-C.
Other names: c.1281del, p.Phe427fs (NM_001204492.2, NM_001367521.1); c.1149del, p.Phe383fs (NM_001222.4, NM_001367541.1); c.1359del, p.Phe453fs (NM_001320898.2, NM_001367546.1, NM_001367547.1); c.1308del, p.Phe436fs (NM_001367514.1, NM_001367525.1); c.1218del, p.Phe406fs (NM_001367516.1, NM_001367517.1, NM_001367529.1 and 1 more transcripts); c.1296del, p.Phe432fs (NM_001367518.1, NM_001367522.1); c.1182del, p.Phe394fs (NM_001367519.1, NM_001367530.1); c.1290del, p.Phe430fs (NM_001367520.1, NM_001367533.1); and 18 more; short protein forms F161fs, F214fs, F279fs, F317fs, F362fs, F371fs, F383fs, F392fs.
Identifiers: ClinVar variation 1309514 (VCV001309514.2), dbSNP rs2133145914, ClinGen allele CA2573053298.

ClinVar aggregate classification (germline): Uncertain significance (1 of 4 stars; one submission).

Submission:

GeneDx
Classification: Uncertain significance. Last evaluated: 2019-10-14. Review status: criteria provided, single submitter. Criteria: GeneDx Variant Classification Process June 2021. Collection method: clinical testing. Allele origin: germline. Affected: yes.
Comment: Not observed in large population cohorts (Lek et al., 2016); Frameshift variant predicted to result in protein truncation as the last 113 amino acids are lost and replaced with 49 incorrect amino acids, although loss-of-function variants have not been reported downstream of this position in the protein; Has not been previously published as pathogenic or benign to our knowledge; Variants in candidate genes are classified as variants of uncertain significance in accordance with ACMG guidelines (Richards et al., 2015)